The following is an entry in ClinVar:

NM_001384732.1(CPLANE1):c.4081-1G>C

Gene: CPLANE1 (ciliogenesis and planar polarity effector complex subunit 1; minus strand). Cytogenetic location: 5p13.2.
Variant type: single nucleotide variant.
Coding change: c.4081-1G>C on transcript NM_001384732.1 (MANE Select); the canonical splice acceptor site of the intron before coding-DNA position 4081, G replaced by C.
Molecular consequence: splice acceptor variant.
Genome position (GRCh38, 1-based): chr5:37,186,395, C>G on the plus strand (G>C on the coding strand, the complement: CPLANE1 is on the minus strand). VCF-style: chr5-37186395-C-G. GRCh37 (hg19) VCF-style: chr5-37186497-C-G.
Other names: c.4081-1G>C (NM_023073.4).
Identifiers: ClinVar variation 3660373 (VCV003660373.2).

ClinVar aggregate classification (germline): Likely pathogenic (1 of 4 stars; one submission).

Submission:

Labcorp Genetics (formerly Invitae), Labcorp
Classification: Likely pathogenic. Last evaluated: 2026-01-12. Review status: criteria provided, single submitter. Criteria: Invitae Variant Classification Sherloc (09022015). Collection method: clinical testing. Allele origin: germline.
Comment: This sequence change affects an acceptor splice site in intron 23 of the CPLANE1 gene. It is expected to disrupt RNA splicing. Variants that disrupt the donor or acceptor splice site typically lead to a loss of protein function (PMID: 16199547), and loss-of-function variants in CPLANE1 are known to be pathogenic (PMID: 24178751, 26092869). This variant is not present in population databases (gnomAD no frequency). This variant has not been reported in the literature in individuals affected with CPLANE1-related conditions. ClinVar contains an entry for this variant (Variation ID: 3660373). Algorithms developed to predict the effect of sequence changes on RNA splicing suggest that this variant may disrupt the consensus splice site. In summary, the currently available evidence indicates that the variant is pathogenic, but additional data are needed to prove that conclusively. Therefore, this variant has been classified as Likely Pathogenic.

Literature cited by the submitters: PubMed 16199547; PubMed 24178751; PubMed 26092869.